The following is an entry in ClinVar:

NM_153638.4(PANK2):c.227C>T (p.Ser76Leu)

Genes: PANK2 (pantothenate kinase 2; plus strand), LOC130065345 (ATAC-STARR-seq lymphoblastoid silent region 12635; plus strand). Cytogenetic location: 20p13.
Variant type: single nucleotide variant.
Coding change: c.227C>T on transcript NM_153638.4; coding-DNA position 227, C replaced by T.
Protein change: p.Ser76Leu; replaces serine 76 with leucine.
Molecular consequence: missense variant. On other transcripts: intron variant (1).
Genome position (GRCh38, 1-based): chr20:3,889,327, C>T. VCF-style: chr20-3889327-C-T. GRCh37 (hg19) VCF-style: chr20-3869974-C-T.
Other names: p.Ser76Leu; c.227C>T, p.Ser76Leu (NM_001324192.1); c.-246+423C>T (NM_024960.6); short protein forms S76L.
Identifiers: ClinVar variation 2683527 (VCV002683527.1), dbSNP rs2515421498, ClinGen allele CA408139957.

ClinVar aggregate classification (germline): Uncertain significance (1 of 4 stars; one submission).

Allele frequency attached by ClinVar (database versions not stated): gnomAD exomes below 0.00001.
gnomAD v4.1: 4 of 1,590,208 alleles (0.00025%); highest among the groups gnomAD compares: Non-Finnish European, 0.00034%; no homozygotes.

Submission:

Mayo Clinic Laboratories, Mayo Clinic
Classification: Uncertain significance. Last evaluated: 2023-03-24. Review status: criteria provided, single submitter. Criteria: ACMG Guidelines, 2015. Collection method: clinical testing. Allele origin: germline. Observed: 1 variant allele.
Comment: PM2